The following is an entry in ClinVar:

ClinVar aggregate classification (germline): Conflicting classifications of pathogenicity. Review status: criteria provided, conflicting classifications (1 of 4 stars). 2 submissions from 2 submitters: Uncertain significance (1); Likely benign (1). Last evaluated 2025-12-09.

Allele frequency attached by ClinVar (database versions not stated): TOPMed 0.00004; gnomAD 0.00005; ExAC 0.00009; 1000 Genomes Project 0.00020; 1000 Genomes Project 30x 0.00031.
gnomAD v4.1: 83 of 1,611,996 alleles (0.0051%); highest among the groups gnomAD compares: East Asian, 0.025%; no homozygotes.

Submissions (2):

Women's Health and Genetics/Laboratory Corporation of America, LabCorp
Classification: Likely benign. Last evaluated: 2025-12-09. Review status: criteria provided, single submitter. Criteria: LabCorp Variant Classification Summary - May 2015. Collection method: clinical testing. Allele origin: germline.
Comment: Variant summary: ALPK1 c.886G>A (p.Val296Met) results in a conservative amino acid change in the encoded protein sequence. Algorithms developed to predict the effect of missense changes on protein structure and function are either unavailable or do not agree on the potential impact of this missense change. The variant allele was found at a frequency of 8e-05 in 249258 control chromosomes. The observed variant frequency exceeds the estimated maximal expected allele frequency for disease-causing variants in ALPK1. To our knowledge, no occurrence of c.886G>A in individuals affected with ALPK1-related conditions and no experimental evidence demonstrating its impact on protein function have been reported. ClinVar contains an entry for this variant (Variation ID: 2419129). Based on the evidence outlined above, the variant was classified as likely benign.

Labcorp Genetics (formerly Invitae), Labcorp
Classification: Uncertain significance. Last evaluated: 2025-08-27. Review status: criteria provided, single submitter. Criteria: Invitae Variant Classification Sherloc (09022015). Collection method: clinical testing. Allele origin: germline.
Comment: This sequence change replaces valine, which is neutral and non-polar, with methionine, which is neutral and non-polar, at codon 296 of the ALPK1 protein (p.Val296Met). This variant is present in population databases (rs184421227, gnomAD 0.03%). This variant has not been reported in the literature in individuals affected with ALPK1-related conditions. ClinVar contains an entry for this variant (Variation ID: 2419129). Invitae Evidence Modeling of protein sequence and biophysical properties (such as structural, functional, and spatial information, amino acid conservation, physicochemical variation, residue mobility, and thermodynamic stability) indicates that this missense variant is expected to disrupt ALPK1 protein function with a positive predictive value of 80%. In summary, the available evidence is currently insufficient to determine the role of this variant in disease. Therefore, it has been classified as a Variant of Uncertain Significance.

NM_025144.4(ALPK1):c.886G>A (p.Val296Met)

Gene: ALPK1 (alpha kinase 1; plus strand). Cytogenetic location: 4q25.
Variant type: single nucleotide variant.
Coding change: c.886G>A on transcript NM_025144.4 (MANE Select); coding-DNA position 886, G replaced by A.
Protein change: p.Val296Met; replaces valine 296 with methionine.
Molecular consequence: missense variant.
Genome position (GRCh38, 1-based): chr4:112,429,239, G>A. VCF-style: chr4-112429239-G-A. GRCh37 (hg19) VCF-style: chr4-113350395-G-A.
Other names: c.886G>A, p.Val296Met (NM_001102406.2); c.652G>A, p.Val218Met (NM_001253884.2); short protein forms V218M, V296M.
Identifiers: ClinVar variation 2419129 (VCV002419129.7), dbSNP rs184421227, ClinGen allele CA3046596.